The following is an entry in ClinVar:

NM_001037.5(SCN1B):c.396C>G (p.Tyr132Ter)

Gene: SCN1B (sodium voltage-gated channel beta subunit 1; plus strand). Cytogenetic location: 19q13.11.
Variant type: single nucleotide variant.
Coding change: c.396C>G on transcript NM_001037.5 (MANE Select); coding-DNA position 396, C replaced by G.
Protein change: p.Tyr132Ter; replaces tyrosine 132 with a stop codon.
Molecular consequence: nonsense.
Genome position (GRCh38, 1-based): chr19:35,033,687, C>G. VCF-style: chr19-35033687-C-G. GRCh37 (hg19) VCF-style: chr19-35524591-C-G.
Other names: c.297C>G, p.Tyr99Ter (NM_001321605.2); c.396C>G, p.Tyr132Ter (NM_199037.5); short protein forms Y132*, Y99*.
Identifiers: ClinVar variation 432412 (VCV000432412.7), dbSNP rs181115510, ClinGen allele CA405328948.

ClinVar aggregate classification (germline): Conflicting classifications of pathogenicity. Review status: criteria provided, conflicting classifications (1 of 4 stars). 2 submissions from 2 submitters: Pathogenic (1); Uncertain significance (1). Last evaluated 2024-04-17.

Conditions:
Brugada syndrome 5 (BRGDA5). Identifiers: Orphanet 130, Orphanet 871, MedGen C2748541, MONDO:0013015, OMIM 612838.

Allele frequency attached by ClinVar (database versions not stated): 1000 Genomes Project 30x 0.00016.

Submissions (2):

Labcorp Genetics (formerly Invitae), Labcorp
Classification: Pathogenic for Brugada syndrome 5. Last evaluated: 2024-04-17. Review status: criteria provided, single submitter. Criteria: Invitae Variant Classification Sherloc (09022015). Collection method: clinical testing. Allele origin: germline.
Comment: This sequence change creates a premature translational stop signal (p.Tyr132*) in the SCN1B gene. While this is not anticipated to result in nonsense mediated decay, it is expected to disrupt the last 137 amino acid(s) of the SCN1B protein. This variant is not present in population databases (gnomAD no frequency). This variant has not been reported in the literature in individuals affected with SCN1B-related conditions. ClinVar contains an entry for this variant (Variation ID: 432412). This variant disrupts a region of the SCN1B protein in which other variant(s) (p.Trp179*) have been determined to be pathogenic (PMID: 18464934; Invitae). This suggests that this is a clinically significant region of the protein, and that variants that disrupt it are likely to be disease-causing. For these reasons, this variant has been classified as Pathogenic.

GeneDx
Classification: Uncertain significance. Last evaluated: 2017-06-01. Review status: criteria provided, single submitter. Criteria: GeneDx Variant Classification (06012015). Collection method: clinical testing. Allele origin: germline. Affected: yes.
Comment: A variant of uncertain significance has been identified in the SCN1B gene. The Y132X variant has not been published as a pathogenic variant, nor has it been reported as a benign variant to our knowledge. The Y132X variant is not observed in large population cohorts (Lek et al., 2016; 1000 Genomes Consortium et al., 2015; Exome Variant Server). The Y132X nonsense variant in the SCN1B gene is predicted to cause loss of normal protein function either through protein truncation or nonsense-mediated mRNA decay. However, loss of function variants in the SCN1B gene have not been reported in Human Gene Mutation Database in association with disease (Stenson et al., 2014). Therefore, based on the currently available information, it is unclear whether this variant is a pathogenic variant or a rare benign variant.

Literature cited by the submitters: PubMed 18464934 (cited by Labcorp Genetics (formerly Invitae), Labcorp).